The following is an entry in ClinVar:

NM_001330288.2(SMARCC2):c.324_325delinsGC (p.Tyr109His)

Gene: SMARCC2 (SWI/SNF related BAF chromatin remodeling complex subunit C2; minus strand). Cytogenetic location: 12q13.2.
Variant type: Indel.
Coding change: c.324_325delinsGC on transcript NM_001330288.2 (MANE Select); coding-DNA positions 324 to 325, TT replaced by GC.
Protein change: p.Tyr109His; replaces tyrosine 109 with histidine.
Molecular consequence: missense variant.
Genome position (GRCh38, 1-based): chr12:56,185,104-56,185,105, AA replaced by GC on the plus strand (TT replaced by GC on the coding strand, the reverse complement: SMARCC2 is on the minus strand). VCF-style: chr12-56185104-AA-GC. GRCh37 (hg19) VCF-style: chr12-56578888-AA-GC.
Other names: c.324_325delinsGC, p.Tyr109His (NM_001130420.3, NM_003075.5, NM_139067.4); short protein forms Y109H.
Identifiers: ClinVar variation 2500421 (VCV002500421.1), dbSNP rs2540960432, ClinGen allele CA2580086508.
Genomic context (GRCh38, chr12:56,185,104, plus strand): 5'-TCTCAATGGTCATAAACATTTCCACATTGCGGTCCATGCGTGATGGATTCTGGAAATCGT[AA>GC]CGCCGCCTTGTGAAGAGGCAATAATCTAGTGAGTGGTATAGCTCAGGTCTGCAGATGAGG-3'
Protein context (NP_001317217.1, residues 99-119): KFKSDQGWRR[Tyr109His]DFQNPSRMDR

ClinVar aggregate classification (germline): Uncertain significance (1 of 4 stars; one submission).

Submission:

GeneDx
Classification: Uncertain significance. Last evaluated: 2022-10-25. Review status: criteria provided, single submitter. Criteria: GeneDx Variant Classification Process June 2021. Collection method: clinical testing. Allele origin: germline. Affected: yes.
Comment: Not observed at significant frequency in large population cohorts (gnomAD); In silico analysis suggests this variant may impact gene splicing. In the absence of RNA/functional studies, the actual effect of this sequence change is unknown.; In silico analysis supports that this variant does not alter protein structure/function; Has not been previously published as pathogenic or benign to our knowledge